The following is an entry in ClinVar:

NM_021098.3(CACNA1H):c.233C>T (p.Thr78Met)

Gene: CACNA1H (calcium voltage-gated channel subunit alpha1 H; plus strand). Cytogenetic location: 16p13.3.
Variant type: single nucleotide variant.
Coding change: c.233C>T on transcript NM_021098.3 (MANE Select); coding-DNA position 233, C replaced by T.
Protein change: p.Thr78Met; replaces threonine 78 with methionine.
Molecular consequence: missense variant.
Genome position (GRCh38, 1-based): chr16:1,153,970, C>T. VCF-style: chr16-1153970-C-T. GRCh37 (hg19) VCF-style: chr16-1203970-C-T.
Other names: c.233C>T, p.Thr78Met (NM_001005407.2); short protein forms T78M.
Identifiers: ClinVar variation 1426485 (VCV001426485.9), dbSNP rs1473122688, ClinGen allele CA394145902.

ClinVar aggregate classification (germline): Uncertain significance. Review status: criteria provided, multiple submitters, no conflicts (2 of 4 stars). 2 submissions from 2 submitters: Uncertain significance (2). Last evaluated 2024-10-16.

Conditions:
Idiopathic generalized epilepsy. Also called: Generalised epilepsy; EIG. Identifiers: MedGen C0270850, MONDO:0005579, OMIM 600669.
Hyperaldosteronism, familial, type IV (HALD4). Also called: FH IV; ALDOSTERONISM, PRIMARY, AND HYPERTENSION. Identifiers: Orphanet 642671, MedGen C4310756, MONDO:0014875, OMIM 617027.
Epilepsy, childhood absence, susceptibility to, 6. Identifiers: Orphanet 64280, MedGen C2749872, MONDO:0012763, OMIM 611942.

Allele frequency attached by ClinVar (database versions not stated): gnomAD 0.00001.
gnomAD v4.1: 3 of 1,447,824 alleles (0.00021%); highest among the groups gnomAD compares: African/African-American, 0.0015%; no homozygotes.

Submissions (2):

Labcorp Genetics (formerly Invitae), Labcorp
Classification: Uncertain significance for Idiopathic generalized epilepsy; Hyperaldosteronism, familial, type IV. Last evaluated: 2024-10-16. Review status: criteria provided, single submitter. Criteria: Invitae Variant Classification Sherloc (09022015). Collection method: clinical testing. Allele origin: germline.
Comment: This sequence change replaces threonine, which is neutral and polar, with methionine, which is neutral and non-polar, at codon 78 of the CACNA1H protein (p.Thr78Met). This variant is not present in population databases (gnomAD no frequency). This variant has not been reported in the literature in individuals affected with CACNA1H-related conditions. ClinVar contains an entry for this variant (Variation ID: 1426485). Invitae Evidence Modeling of protein sequence and biophysical properties (such as structural, functional, and spatial information, amino acid conservation, physicochemical variation, residue mobility, and thermodynamic stability) indicates that this missense variant is not expected to disrupt CACNA1H protein function with a negative predictive value of 80%. In summary, the available evidence is currently insufficient to determine the role of this variant in disease. Therefore, it has been classified as a Variant of Uncertain Significance.

Fulgent Genetics
Classification: Uncertain significance for Epilepsy, childhood absence, susceptibility to, 6; Hyperaldosteronism, familial, type IV. Last evaluated: 2021-12-13. Review status: criteria provided, single submitter. Criteria: ACMG Guidelines, 2015. Collection method: clinical testing. Allele origin: unknown.